The following is an entry in ClinVar:

NM_001008216.2(GALE):c.315_316del (p.Tyr105_Arg106delinsTer)

Gene: GALE (UDP-galactose-4-epimerase; minus strand). Cytogenetic location: 1p36.11.
Variant type: Deletion.
Coding change: c.315_316del on transcript NM_001008216.2 (MANE Select); coding-DNA positions 315 to 316, 2 bases deleted (CA; older notation c.315_316delCA).
Protein change: p.Tyr105_Arg106delinsTer.
Molecular consequence: nonsense.
Genome position (GRCh38, 1-based): chr1:23,798,152-23,798,153, TG deleted on the plus strand (CA on the coding strand, the reverse complement: GALE is on the minus strand); deleting any 2 consecutive bases within chr1:23,798,152-23,798,154 gives the same sequence; the c. name uses the placement nearest the transcript's 3' end. VCF-style (leftmost placement, unchanged base first): chr1-23798151-CTG-C. GRCh37 (hg19) VCF-style: chr1-24124641-CTG-C.
Other names: c.315_316del, p.Tyr105_Arg106delinsTer (NM_000403.4, NM_001127621.2).
Identifiers: ClinVar variation 3582025 (VCV003582025.2).

ClinVar aggregate classification (germline): Pathogenic/Likely pathogenic. Review status: criteria provided, multiple submitters, no conflicts (2 of 4 stars). 2 submissions from 2 submitters: Pathogenic (1); Likely pathogenic (1). Last evaluated 2026-01-19.

Conditions:
UDPglucose-4-epimerase deficiency. Also called: GALACTOSEMIA III; GALE DEFICIENCY; UDP-GALACTOSE-4-EPIMERASE DEFICIENCY; Galactose epimerase deficiency; UDPglucose 4-Epimerase Deficiency Disease; Epimerase Deficiency Galactosemia. Identifiers: Orphanet 352, Orphanet 79238, MedGen C0751161, MONDO:0009257, OMIM 230350.
Thrombocytopenia 13, syndromic. Also called: THROMBOCYTOPENIA, AUTOSOMAL RECESSIVE, 13. Identifiers: MedGen C5935599, MONDO:0958333, OMIM 620776.

Submissions (2):

Labcorp Genetics (formerly Invitae), Labcorp
Classification: Pathogenic for UDPglucose-4-epimerase deficiency. Last evaluated: 2026-01-19. Review status: criteria provided, single submitter. Criteria: Invitae Variant Classification Sherloc (09022015). Collection method: clinical testing. Allele origin: germline.
Comment: This sequence change creates a premature translational stop signal (p.Tyr105*) in the GALE gene. It is expected to result in an absent or disrupted protein product. Loss-of-function variants in GALE are known to be pathogenic (PMID: 16301867). This variant is present in population databases (no rsID available, gnomAD 0.006%). This variant has not been reported in the literature in individuals affected with GALE-related conditions. ClinVar contains an entry for this variant (Variation ID: 3582025). Algorithms developed to predict the effect of sequence changes on RNA splicing suggest that this variant may disrupt the consensus splice site. For these reasons, this variant has been classified as Pathogenic.

Fulgent Genetics
Classification: Likely pathogenic for UDPglucose-4-epimerase deficiency; Thrombocytopenia 13, syndromic. Last evaluated: 2024-01-09. Review status: criteria provided, single submitter. Criteria: ACMG Guidelines, 2015. Collection method: clinical testing. Allele origin: germline.

Literature cited by the submitters: PubMed 16301867 (cited by Labcorp Genetics (formerly Invitae), Labcorp).